The following is an entry in ClinVar:

ClinVar aggregate classification (germline): Conflicting classifications of pathogenicity. Review status: criteria provided, conflicting classifications (1 of 4 stars). 6 submissions from 4 submitters: Uncertain significance (3); Likely benign (3). Last evaluated 2025-11-13.

Conditions:
Inborn genetic diseases. Identifiers: MedGen C0950123, MeSH D030342.
Factor V deficiency. Also called: Reduced coagulation factor V activity. Identifiers: Orphanet 326, MedGen C4317320, MONDO:0020586, HP:0003225.
Budd-Chiari syndrome (BDCHS). Also called: Hepatic vein obstruction. Identifiers: Orphanet 131, MedGen C0856761, MONDO:0010947, OMIM 600880, HP:0002639.
Thrombophilia due to thrombin defect (THPH1). Also called: Prothrombin Thrombophilia; Thrombosis susceptibility; THROMBOPHILIA DUE TO FACTOR 2 DEFECT; Prothrombin-Related Thrombophilia (Factor II). Identifiers: MedGen C3160733, MONDO:0008559, OMIM 188050. Disease mechanism: gain of function, loss of function.
F5-related disorder. Also called: F5-related condition.
Congenital factor V deficiency. Also called: Hereditary factor V deficiency disease; LABILE FACTOR DEFICIENCY; OWREN PARAHEMOPHILIA; PARAHEMOPHILIA. Identifiers: Orphanet 326, MedGen C0015499, MONDO:0009210, OMIM 227400.

Allele frequency attached by ClinVar (database versions not stated): ESP Exome Variant Server 0.00008; ExAC 0.00014; gnomAD exomes 0.00014 and 0.00029; TOPMed 0.00015; gnomAD 0.00017 and 0.00019.
gnomAD v4.1: 460 of 1,613,856 alleles (0.029%); highest among the groups gnomAD compares: Non-Finnish European, 0.036%; no homozygotes.

Submissions (6):

Labcorp Genetics (formerly Invitae), Labcorp
Classification: Likely benign for Congenital factor V deficiency. Last evaluated: 2025-11-13. Review status: criteria provided, single submitter. Criteria: Invitae Variant Classification Sherloc (09022015). Collection method: clinical testing. Allele origin: germline.

PreventionGenetics, part of Exact Sciences
Classification: Likely benign for F5-related condition. Last evaluated: 2024-12-01. Review status: criteria provided, single submitter. Criteria: ACMG Guidelines, 2015. Collection method: clinical testing. Allele origin: germline.
Comment: This variant is classified as likely benign based on ACMG/AMP sequence variant interpretation guidelines (Richards et al. 2015 PMID: 25741868, with internal and published modifications).

Ambry Genetics
Classification: Likely benign for Inborn genetic diseases. Last evaluated: 2023-09-06. Review status: criteria provided, single submitter. Criteria: Ambry Variant Classification Scheme 2023. Collection method: clinical testing. Allele origin: germline.

Illumina Laboratory Services, Illumina
Classification: Uncertain significance for Budd-Chiari syndrome. Last evaluated: 2018-01-13. Review status: criteria provided, single submitter. Criteria: ICSL Variant Classification Criteria 13 December 2019. Collection method: clinical testing. Allele origin: germline.

Illumina Laboratory Services, Illumina
Classification: Uncertain significance for Venous thrombosis. Last evaluated: 2018-01-13. Review status: criteria provided, single submitter. Criteria: ICSL Variant Classification Criteria 13 December 2019. Collection method: clinical testing. Allele origin: germline.

Illumina Laboratory Services, Illumina
Classification: Uncertain significance for Congenital factor V deficiency. Last evaluated: 2018-01-13. Review status: criteria provided, single submitter. Criteria: ICSL Variant Classification Criteria 13 December 2019. Collection method: clinical testing. Allele origin: germline.

NM_000130.5(F5):c.5124C>T (p.Tyr1708=)

Gene: F5 (coagulation factor V; minus strand). Cytogenetic location: 1q24.2.
Variant type: single nucleotide variant.
Coding change: c.5124C>T on transcript NM_000130.5 (MANE Select); coding-DNA position 5124, C replaced by T.
Protein change: p.Tyr1708=; no amino-acid change (tyrosine 1708 retained).
Molecular consequence: synonymous variant.
Genome position (GRCh38, 1-based): chr1:169,530,870, G>A on the plus strand (C>T on the coding strand, the complement: F5 is on the minus strand). VCF-style: chr1-169530870-G-A. GRCh37 (hg19) VCF-style: chr1-169500108-G-A.
Identifiers: ClinVar variation 293589 (VCV000293589.11), dbSNP rs199568344, ClinGen allele CA1233571.